The following is an entry in ClinVar:

NM_000051.4(ATM):c.6498_6499del (p.Tyr2167fs)

Genes: ATM (ATM serine/threonine kinase; plus strand), C11orf65 (chromosome 11 open reading frame 65; minus strand). Cytogenetic location: 11q22.3.
Variant type: Microsatellite.
Coding change: c.6498_6499del on transcript NM_000051.4 (MANE Select); coding-DNA positions 6498 to 6499, 2 bases deleted (GT; older notation c.6498_6499delGT).
Protein change: p.Tyr2167fs; shifts the reading frame from tyrosine 2167.
Molecular consequence: frameshift variant. On other transcripts: intron variant (2).
Genome position (GRCh38, 1-based): chr11:108,321,346-108,321,347, GT deleted; deleting any 2 consecutive bases within chr11:108,321,343-108,321,347 gives the same sequence; the c. name uses the placement nearest the transcript's 3' end. VCF-style (leftmost placement, unchanged base first): chr11-108321342-CTG-C. GRCh37 (hg19) VCF-style: chr11-108192069-CTG-C.
Other names: c.6498_6499del, p.Tyr2167fs (NM_001351834.2); c.641-12273_641-12272del (NM_001330368.2); c.*39-12273_*39-12272del (NM_001351110.2); c.6498_6499delGT (NM_000051.3); short protein forms Y2167fs.
Identifiers: ClinVar variation 407729 (VCV000407729.13), dbSNP rs1060501707, ClinGen allele CA16613410.

ClinVar aggregate classification (germline): Pathogenic/Likely pathogenic. Review status: criteria provided, multiple submitters, no conflicts (2 of 4 stars). 4 submissions from 4 submitters: Pathogenic (3); Likely pathogenic (1). Last evaluated 2025-03-04.

Conditions:
Familial cancer of breast. Also called: Hereditary breast cancer; BREAST CANCER, FAMILIAL; hereditary breast carcinoma. Identifiers: Orphanet 227535, MedGen C0346153, MONDO:0016419, OMIM 114480. Disease mechanism: loss of function.
Ataxia-telangiectasia syndrome (AT). Also called: LOUIS-BAR SYNDROME; Cerebello-oculocutaneous telangiectasia; Immunodeficiency with ataxia telangiectasia; Ataxia-telangiectasia, complementation group D; AT, COMPLEMENTATION GROUP C; Ataxia-telangiectasia, complementation group E. Identifiers: Orphanet 100, MedGen C0004135, MONDO:0008840, OMIM 208900.

Submissions (4):

Center for Genomic Medicine, Rigshospitalet, Copenhagen University Hospital
Classification: Likely pathogenic. Last evaluated: 2025-03-04. Review status: criteria provided, single submitter. Criteria: ACMG Guidelines, 2015. Collection method: clinical testing. Allele origin: germline.

Department of Clinical Genetics, Copenhagen University Hospital, Rigshospitalet
Classification: Pathogenic for Familial cancer of breast; Ataxia-telangiectasia syndrome. Last evaluated: 2025-02-04. Review status: criteria provided, single submitter. Criteria: ACMG Guidelines, 2015. Collection method: clinical testing. Allele origin: germline.
Comment: PVS1, PM2_SUP, PM5_SUP

Myriad Genetics, Inc.
Classification: Pathogenic for Familial cancer of breast. Last evaluated: 2024-01-29. Review status: criteria provided, single submitter. Criteria: Myriad Autosomal Dominant, Autosomal Recessive and X-Linked Classification Criteria (2023). Collection method: clinical testing. Allele origin: unknown.
Comment: This variant is considered pathogenic. This variant creates a frameshift predicted to result in premature protein truncation.

Labcorp Genetics (formerly Invitae), Labcorp
Classification: Pathogenic for Ataxia-telangiectasia syndrome. Last evaluated: 2021-10-24. Review status: criteria provided, single submitter. Criteria: Invitae Variant Classification Sherloc (09022015). Collection method: clinical testing. Allele origin: germline.
Comment: This sequence change deletes 2 nucleotides from exon 45 of the ATM mRNA (c.6498_6499delGT), causing a frameshift at codon 2167. This creates a premature translational stop signal (p.Tyr2167Phefs*7) and is expected to result in an absent or disrupted protein product. While this particular variant has not been reported in the literature, loss-of-function variants in ATM are known to be pathogenic (PMID: 10817650, 19781682). For these reasons, this variant has been classified as Pathogenic.

Literature cited by the submitters: PubMed 31263571 (cited by Center for Genomic Medicine, Rigshospitalet, Copenhagen University Hospital); PubMed 10817650 (cited by Labcorp Genetics (formerly Invitae), Labcorp); PubMed 19781682 (cited by Labcorp Genetics (formerly Invitae), Labcorp).